The following is an entry in ClinVar:

NM_001440.4(EXTL3):c.1669T>G (p.Ser557Ala)

Gene: EXTL3 (exostosin like glycosyltransferase 3; plus strand). Cytogenetic location: 8p21.1.
Variant type: single nucleotide variant.
Coding change: c.1669T>G on transcript NM_001440.4 (MANE Select); coding-DNA position 1669, T replaced by G.
Protein change: p.Ser557Ala; replaces serine 557 with alanine.
Molecular consequence: missense variant.
Genome position (GRCh38, 1-based): chr8:28,717,728, T>G. VCF-style: chr8-28717728-T-G. GRCh37 (hg19) VCF-style: chr8-28575245-T-G.
Other names: short protein forms S557A.
Identifiers: ClinVar variation 1490488 (VCV001490488.6), dbSNP rs928526657, ClinGen allele CA174387448.

ClinVar aggregate classification (germline): Uncertain significance (1 of 4 stars; one submission).

Allele frequency attached by ClinVar (database versions not stated): gnomAD exomes below 0.00001 and 0.00001; TOPMed below 0.00001.
gnomAD v4.1: 1 of 1,614,224 alleles (0.000062%); highest among the groups gnomAD compares: Admixed American, 0.0017%; no homozygotes.

Submission:

Labcorp Genetics (formerly Invitae), Labcorp
Classification: Uncertain significance. Last evaluated: 2022-08-16. Review status: criteria provided, single submitter. Criteria: Invitae Variant Classification Sherloc (09022015). Collection method: clinical testing. Allele origin: germline.
Comment: In summary, the available evidence is currently insufficient to determine the role of this variant in disease. Therefore, it has been classified as a Variant of Uncertain Significance. Algorithms developed to predict the effect of missense changes on protein structure and function (SIFT, PolyPhen-2, Align-GVGD) all suggest that this variant is likely to be tolerated. ClinVar contains an entry for this variant (Variation ID: 1490488). This variant has not been reported in the literature in individuals affected with EXTL3-related conditions. This variant is present in population databases (no rsID available, gnomAD 0.003%). This sequence change replaces serine, which is neutral and polar, with alanine, which is neutral and non-polar, at codon 557 of the EXTL3 protein (p.Ser557Ala).